The following is an entry in ClinVar:

NM_001374353.1(GLI2):c.3135T>G (p.Leu1045=)

Gene: GLI2 (GLI family zinc finger 2; plus strand). Cytogenetic location: 2q14.2.
Variant type: single nucleotide variant.
Coding change: c.3135T>G on transcript NM_001374353.1 (MANE Select); coding-DNA position 3135, T replaced by G.
Protein change: p.Leu1045=; no amino-acid change (leucine 1045 retained).
Molecular consequence: synonymous variant.
Genome position (GRCh38, 1-based): chr2:120,989,100, T>G. VCF-style: chr2-120989100-T-G. GRCh37 (hg19) VCF-style: chr2-121746676-T-G.
Other names: c.3186T>G, p.Leu1062= (NM_001371271.1, NM_005270.5); c.2760T>G, p.Leu920= (NM_001374354.1).
Identifiers: ClinVar variation 3031121 (VCV003031121.2), dbSNP rs1350842390, ClinGen allele CA428749728.

ClinVar aggregate classification (germline): Likely benign (0 of 4 stars; one submission).

Conditions:
GLI2-related disorder. Also called: GLI2-related disorders; GLI2-related condition.

Allele frequency attached by ClinVar (database versions not stated): gnomAD 0.00001; TOPMed 0.00001.
gnomAD v4.1: 18 of 1,612,468 alleles (0.0011%); highest among the groups gnomAD compares: Non-Finnish European, 0.0015%; no homozygotes.

Submission:

PreventionGenetics, part of Exact Sciences
Classification: Likely benign for GLI2-related condition. Last evaluated: 2023-01-20. Review status: no assertion criteria provided. Collection method: clinical testing. Allele origin: germline.
Comment: This variant is classified as likely benign based on ACMG/AMP sequence variant interpretation guidelines (Richards et al. 2015 PMID: 25741868, with internal and published modifications).